The following is an entry in ClinVar:

ClinVar aggregate classification (germline): Uncertain significance (1 of 4 stars; one submission).

Conditions:
Cardiovascular phenotype. Identifiers: MedGen CN230736.

Allele frequency attached by ClinVar (database versions not stated): gnomAD exomes below 0.00001; gnomAD 0.00001.

Submission:

Ambry Genetics
Classification: Uncertain significance for Cardiovascular phenotype. Last evaluated: 2023-12-22. Review status: criteria provided, single submitter. Criteria: Ambry Variant Classification Scheme 2023. Collection method: clinical testing. Allele origin: germline.
Comment: The p.I851V variant (also known as c.2551A>G), located in coding exon 15 of the SCN10A gene, results from an A to G substitution at nucleotide position 2551. The isoleucine at codon 851 is replaced by valine, an amino acid with highly similar properties. This amino acid position is highly conserved in available vertebrate species. In addition, the in silico prediction for this alteration is inconclusive. Since supporting evidence is limited at this time, the clinical significance of this alteration remains unclear.

NM_006514.4(SCN10A):c.2551A>G (p.Ile851Val)

Gene: SCN10A (sodium voltage-gated channel alpha subunit 10; minus strand). Cytogenetic location: 3p22.2.
Variant type: single nucleotide variant.
Coding change: c.2551A>G on transcript NM_006514.4 (MANE Select); coding-DNA position 2551, A replaced by G.
Protein change: p.Ile851Val; replaces isoleucine 851 with valine.
Molecular consequence: missense variant.
Genome position (GRCh38, 1-based): chr3:38,728,631, T>C on the plus strand (A>G on the coding strand, the complement: SCN10A is on the minus strand). VCF-style: chr3-38728631-T-C. GRCh37 (hg19) VCF-style: chr3-38770122-T-C.
Other names: c.2551A>G, p.Ile851Val (NM_001293306.2); c.2257A>G, p.Ile753Val (NM_001293307.2); short protein forms I753V, I851V.
Identifiers: ClinVar variation 1792951 (VCV001792951.2), dbSNP rs1483267310, ClinGen allele CA352160229.
Genomic context (GRCh38, chr3:38,728,631, plus strand): 5'-AGAAAAGGATGAGGCATATGGATTTTTGGCCAACTTCCATGCAGGCCCACATGTTCTCAA[T>C]CCACTCTCCACAGAGGATACGGAAGACAATGAGGAAAGAGTGGAAGAAGTCGTGCATGTG-3'
Protein context (NP_006505.4, residues 841-861): IVFRILCGEW[Ile851Val]ENMWACMEVG